The following is an entry in ClinVar:

NM_000048.4(ASL):c.*323G>A

Gene: ASL (argininosuccinate lyase; plus strand). Cytogenetic location: 7q11.21.
Variant type: single nucleotide variant.
Coding change: c.*323G>A on transcript NM_000048.4 (MANE Select); 323 bases downstream of the stop codon, G replaced by A.
Molecular consequence: 3 prime UTR variant.
Genome position (GRCh38, 1-based): chr7:66,093,235, G>A. VCF-style: chr7-66093235-G-A. GRCh37 (hg19) VCF-style: chr7-65558222-G-A.
Other names: c.*323G>A (NM_001024943.2, NM_001024944.2, NM_001024946.2).
Identifiers: ClinVar variation 360575 (VCV000360575.8), dbSNP rs160643, ClinGen allele CA10626325.

ClinVar aggregate classification (germline): Benign. Review status: criteria provided, multiple submitters, no conflicts (2 of 4 stars). 3 submissions from 3 submitters: Benign (3). Last evaluated 2018-07-05.

Conditions:
Argininosuccinate lyase deficiency. Also called: ARGININOSUCCINIC ACID LYASE DEFICIENCY; ASL DEFICIENCY; Argininosuccinic aciduria. Identifiers: Orphanet 23, MedGen C0268547, MONDO:0008815, OMIM 207900, HP:0025630.

Allele frequency attached by ClinVar (database versions not stated): gnomAD 0.09813 and 0.10306; gnomAD exomes 0.12786; 1000 Genomes Project 30x 0.13413; 1000 Genomes Project 0.13638; TOPMed 0.11172.
gnomAD v4.1: 52,448 of 439,142 alleles (12%); highest among the groups gnomAD compares: Middle Eastern, 23%; 3,732 homozygotes.

Submissions (3):

GeneDx
Classification: Benign. Last evaluated: 2018-07-05. Review status: criteria provided, single submitter. Criteria: GeneDx Variant Classification Process June 2021. Collection method: clinical testing. Allele origin: germline. Affected: yes.

Illumina Laboratory Services, Illumina
Classification: Benign for Argininosuccinate lyase deficiency. Last evaluated: 2018-01-13. Review status: criteria provided, single submitter. Criteria: ICSL Variant Classification Criteria 13 December 2019. Collection method: clinical testing. Allele origin: germline.
Comment: This variant was observed in the ICSL laboratory as part of a predisposition screen in an ostensibly healthy population. It had not been previously curated by ICSL or reported in the Human Gene Mutation Database (HGMD: prior to June 1st, 2018), and was therefore a candidate for classification through an automated scoring system. Utilizing variant allele frequency, disease prevalence and penetrance estimates, and inheritance mode, an automated score was calculated to assess if this variant is too frequent to cause the disease. Based on the score and internal cut-off values, a variant classified as benign is not then subjected to further curation. The score for this variant resulted in a classification of benign for this disease.

Breakthrough Genomics
Classification: Benign. Review status: criteria provided, single submitter. Criteria: ACMG Guidelines, 2015. Collection method: not provided. Allele origin: germline. Inheritance: Autosomal recessive inheritance. Affected: yes.